The following is an entry in ClinVar:

NM_004655.4(AXIN2):c.1886A>G (p.Gln629Arg)

Gene: AXIN2 (axin 2; minus strand). Cytogenetic location: 17q24.1.
Variant type: single nucleotide variant.
Coding change: c.1886A>G on transcript NM_004655.4 (MANE Select); coding-DNA position 1886, A replaced by G.
Protein change: p.Gln629Arg; replaces glutamine 629 with arginine.
Molecular consequence: missense variant. On other transcripts: intron variant (1).
Genome position (GRCh38, 1-based): chr17:65,536,890, T>C on the plus strand (A>G on the coding strand, the complement: AXIN2 is on the minus strand). VCF-style: chr17-65536890-T-C. GRCh37 (hg19) VCF-style: chr17-63533008-T-C.
Other names: c.1886A>G (LRG_296t1); c.1713-337A>G (NM_001363813.1); short protein forms Q629R.
Identifiers: ClinVar variation 408792 (VCV000408792.13), dbSNP rs751781253, ClinGen allele CA8718506.
Genomic context (GRCh38, chr17:65,536,890, plus strand): 5'-ATGACCCTCGCGGCCGCGGCGGCGGCAAGCGGTGTTTACCTATGGGGCTTGGGCTTGCTC[T>C]GCCGCTCACTCTCCAGCATCCACTGCCAGACATCCTGCGACCTGTCTCCTTCCTCCCGGG-3'
Protein context (NP_004646.3, residues 619-639): VWQWMLESER[Gln629Arg]SKPKPHSAQS

ClinVar aggregate classification (germline): Conflicting classifications of pathogenicity. Review status: criteria provided, conflicting classifications (1 of 4 stars). 3 submissions from 3 submitters: Uncertain significance (2); Benign (1). Last evaluated 2025-01-19.

Conditions:
Hereditary cancer-predisposing syndrome. Also called: Hereditary Cancer Syndrome; Hereditary neoplastic syndrome; Neoplastic Syndromes, Hereditary; Tumor predisposition. Identifiers: Orphanet 140162, MedGen C0027672, MeSH D009386, MONDO:0015356.
Oligodontia-cancer predisposition syndrome. Also called: TOOTH AGENESIS-COLORECTAL CANCER SYNDROME. Identifiers: Orphanet 300576, MedGen C1837750, MONDO:0012075, OMIM 608615. Disease mechanism: loss of function.

Allele frequency attached by ClinVar (database versions not stated): gnomAD exomes below 0.00001; ExAC 0.00001; gnomAD 0.00001; TOPMed 0.00002.

Submissions (3):

Labcorp Genetics (formerly Invitae), Labcorp
Classification: Uncertain significance for Oligodontia-cancer predisposition syndrome. Last evaluated: 2025-01-19. Review status: criteria provided, single submitter. Criteria: Invitae Variant Classification Sherloc (09022015). Collection method: clinical testing. Allele origin: germline.
Comment: This sequence change replaces glutamine, which is neutral and polar, with arginine, which is basic and polar, at codon 629 of the AXIN2 protein (p.Gln629Arg). This variant is present in population databases (rs751781253, gnomAD 0.0009%). This variant has not been reported in the literature in individuals affected with AXIN2-related conditions. ClinVar contains an entry for this variant (Variation ID: 408792). Invitae Evidence Modeling of protein sequence and biophysical properties (such as structural, functional, and spatial information, amino acid conservation, physicochemical variation, residue mobility, and thermodynamic stability) has been performed for this missense variant. However, the output from this modeling did not meet the statistical confidence thresholds required to predict the impact of this variant on AXIN2 protein function. In summary, the available evidence is currently insufficient to determine the role of this variant in disease. Therefore, it has been classified as a Variant of Uncertain Significance.

Ambry Genetics
Classification: Benign for Hereditary cancer-predisposing syndrome. Last evaluated: 2024-10-28. Review status: criteria provided, single submitter. Criteria: Ambry Variant Classification Scheme 2023. Collection method: clinical testing. Allele origin: germline.

GeneDx
Classification: Uncertain significance. Last evaluated: 2023-07-31. Review status: criteria provided, single submitter. Criteria: GeneDx Variant Classification Process June 2021. Collection method: clinical testing. Allele origin: germline. Affected: yes.
Comment: Not observed at significant frequency in large population cohorts (gnomAD); In silico analysis supports that this missense variant does not alter protein structure/function; Has not been previously published as pathogenic or benign to our knowledge